The following is an entry in ClinVar:

ClinVar aggregate classification (germline): Uncertain significance (1 of 4 stars; one submission).

Conditions:
Cardiomyopathy (CMYO). Also called: Cardiomyopathies. Identifiers: Orphanet 167848, MedGen C0878544, MONDO:0004994, HP:0001638. Inheritance: Various modes of inheritance.

Submission:

Color Diagnostics, LLC DBA Color Health
Classification: Uncertain significance for Cardiomyopathy. Last evaluated: 2020-04-28. Review status: criteria provided, single submitter. Criteria: ACMG Guidelines, 2015. Collection method: clinical testing. Allele origin: germline.
Comment: This variant causes a C to G nucleotide substitution at the -7 position of intron 29 of the MYBPC3 gene. Splice site prediction tools and conservation analysis are inconclusive regarding the impact of this variant on RNA splicing. To our knowledge, functional studies have not been reported for this variant. This variant has not been reported in individuals affected with cardiovascular disorders in the literature. This variant has not been identified in the general population by the Genome Aggregation Database (gnomAD). The available evidence is insufficient to determine the role of this variant in disease conclusively. Therefore, this variant is classified as a Variant of Uncertain Significance.

NM_000256.3(MYBPC3):c.3191-7C>G

Gene: MYBPC3 (myosin binding protein C3; minus strand). Cytogenetic location: 11p11.2.
Variant type: single nucleotide variant.
Coding change: c.3191-7C>G on transcript NM_000256.3 (MANE Select); 7 bases into the intron before coding-DNA position 3191, C replaced by G.
Molecular consequence: intron variant.
Genome position (GRCh38, 1-based): chr11:47,333,340, G>C on the plus strand (C>G on the coding strand, the complement: MYBPC3 is on the minus strand). VCF-style: chr11-47333340-G-C. GRCh37 (hg19) VCF-style: chr11-47354891-G-C.
Identifiers: ClinVar variation 924417 (VCV000924417.3), dbSNP rs373012629, ClinGen allele CA1139659390.